The following is an entry in ClinVar:

NM_001378454.1(ALMS1):c.3899C>A (p.Ser1300Ter)

Gene: ALMS1 (ALMS1 centrosome and basal body associated protein; plus strand). Cytogenetic location: 2p13.1.
Variant type: single nucleotide variant.
Coding change: c.3899C>A on transcript NM_001378454.1 (MANE Select); coding-DNA position 3899, C replaced by A.
Protein change: p.Ser1300Ter; replaces serine 1300 with a stop codon.
Molecular consequence: nonsense.
Genome position (GRCh38, 1-based): chr2:73,450,426, C>A. VCF-style: chr2-73450426-C-A. GRCh37 (hg19) VCF-style: chr2-73677553-C-A.
Other names: c.3902C>A, p.Ser1301Ter (NM_015120.4); short protein forms S1301*, S1300*.
Identifiers: ClinVar variation 264657 (VCV000264657.15), dbSNP rs769219669, ClinGen allele CA1713611.
Genomic context (GRCh38, chr2:73,450,426, plus strand): 5'-CTGTAACCTCTACTTCCTACTCACAATATAGAGAGAAGCCCAGCATTTTCTACCAACAGT[C>A]GTTGCCAAGTAGTCATCTAACTGAAGAGGCTAAGAATGTTTCAGCGGTTCCTGGACCAGC-3'

ClinVar aggregate classification (germline): Pathogenic. Review status: criteria provided, multiple submitters, no conflicts (2 of 4 stars). 4 submissions from 4 submitters: Pathogenic (4). Last evaluated 2025-08-04.

Conditions:
Alstrom syndrome (ALMS). Identifiers: Orphanet 64, MedGen C0268425, MONDO:0008763, OMIM 203800.

gnomAD v4.1: 1 of 1,613,700 alleles (0.000062%); highest among the groups gnomAD compares: East Asian, 0.0022%; no homozygotes.

Submissions (4):

Natera, Inc.
Classification: Pathogenic for Alstrom syndrome. Last evaluated: 2025-08-04. Review status: criteria provided, single submitter. Criteria: Natera Variant Classification Schema (03/2026). Collection method: clinical testing. Allele origin: germline.
Comment: The c.3902C>A variant in ALMS1 is a nonsense variant predicted to introduce a stop codon at amino acid 1301. This variant is expected to result in nonsense mediated decay, truncation, or a dysfunctional protein product. This variant is rare in the general population with a frequency below the threshold expected for the associated phenotype(s). This variant has been observed in one or more individuals affected with the associated recessive disease, as either homozygous or compound heterozygous with a second variant (PMID: 28453600). Given the available evidence, this variant is classified as Pathogenic.

Labcorp Genetics (formerly Invitae), Labcorp
Classification: Pathogenic for Alstrom syndrome. Last evaluated: 2023-06-25. Review status: criteria provided, single submitter. Criteria: Invitae Variant Classification Sherloc (09022015). Collection method: clinical testing. Allele origin: germline.
Comment: This sequence change creates a premature translational stop signal (p.Ser1301*) in the ALMS1 gene. It is expected to result in an absent or disrupted protein product. Loss-of-function variants in ALMS1 are known to be pathogenic (PMID: 17594715). For these reasons, this variant has been classified as Pathogenic. ClinVar contains an entry for this variant (Variation ID: 264657). This premature translational stop signal has been observed in individual(s) with Alstrom syndrome (PMID: 28724398). In at least one individual the data is consistent with being in trans (on the opposite chromosome) from a pathogenic variant. It has also been observed to segregate with disease in related individuals. This variant is present in population databases (rs769219669, gnomAD 0.01%).

GeneDx
Classification: Pathogenic. Last evaluated: 2019-10-09. Review status: criteria provided, single submitter. Criteria: GeneDx Variant Classification Process June 2021. Collection method: clinical testing. Allele origin: germline. Affected: yes.
Comment: Nonsense variant predicted to result in protein truncation or nonsense mediated decay in a gene for which loss-of-function is a known mechanism of disease; Not observed at a significant frequency in large population cohorts (Lek et al., 2016); This variant is associated with the following publications: (PMID: 25412400, 28724398, 31054281, 31630094)

Juno Genomics, Hangzhou Juno Genomics, Inc
Classification: Pathogenic for Alstrom syndrome. Review status: criteria provided, single submitter. Criteria: ACMG Guidelines, 2015. Collection method: clinical testing. Allele origin: germline.
Comment: Absent from controls (or at extremely low frequency if recessive) in Genome Aggregation Database.;Null variant in a gene where loss of function (LOF) is a known mechanism of disease.;For recessive disorders, detected in trans with a pathogenic variant.;Patient's phenotype or family history is highly specific for a disease with a single genetic etiology.

Literature cited by the submitters: PubMed 28453600 (cited by Natera, Inc.); PubMed 17594715 (cited by Labcorp Genetics (formerly Invitae), Labcorp); PubMed 28724398 (cited by Labcorp Genetics (formerly Invitae), Labcorp).